The following is an entry in ClinVar:

NM_001165963.4(SCN1A):c.379C>T (p.His127Tyr)

Gene: SCN1A (sodium voltage-gated channel alpha subunit 1; minus strand). Cytogenetic location: 2q24.3.
Variant type: single nucleotide variant.
Coding change: c.379C>T on transcript NM_001165963.4 (MANE Select); coding-DNA position 379, C replaced by T.
Protein change: p.His127Tyr; replaces histidine 127 with tyrosine.
Molecular consequence: missense variant. On other transcripts: 5 prime UTR variant (1), non-coding transcript variant (1).
Genome position (GRCh38, 1-based): chr2:166,058,574, G>A on the plus strand (C>T on the coding strand, the complement: SCN1A is on the minus strand). VCF-style: chr2-166058574-G-A. GRCh37 (hg19) VCF-style: chr2-166915084-G-A.
Other names: c.379C>T, p.His127Tyr (NM_001165964.3, NM_001202435.3, NM_001353948.2 and 10 more transcripts); c.-2047C>T (NM_001353961.2); short protein forms H127Y.
Identifiers: ClinVar variation 582634 (VCV000582634.12), dbSNP rs148442069, ClinGen allele CA349076760.

ClinVar aggregate classification (germline): Conflicting classifications of pathogenicity. Review status: criteria provided, conflicting classifications (1 of 4 stars). 3 submissions from 3 submitters: Pathogenic (1); Likely pathogenic (1); Uncertain significance (1). Last evaluated 2025-11-06.

Conditions:
Generalized epilepsy with febrile seizures plus, type 2 (GEFSP2). Also called: GEFS+, TYPE 2. Identifiers: Orphanet 36387, MedGen C1858673, MONDO:0011461, OMIM 604403.
Early-infantile DEE. Also called: Early infantile epileptic encephalopathy; Early infantile epileptic encephalopathy with suppression bursts; Ohtahara syndrome. Identifiers: Orphanet 1934, MedGen C0393706, MONDO:0800491.

Submissions (3):

Dasa
Classification: Uncertain significance. Last evaluated: 2025-11-06. Review status: criteria provided, single submitter. Criteria: DASA Assertion Criteria. Collection method: clinical testing. Allele origin: germline.
Comment: NM_001165963.4(SCN1A):c.379C>T (p.His127Tyr) is a missense variant that results in the substitution of histidine with tyrosine. This variant has been reported as a de novo occurrence in an affected individual (PMID: 21248271). Also, this variant is rare in population databases. Computational prediction algorithms are consistent with a deleterious effect. The currently available literature and clinical evidence are not sufficient to establish a definitive association between this variant and the reported condition. Therefore, this variant is classified as a variant of uncertain significance.

Mendelics
Classification: Pathogenic for Generalized epilepsy with febrile seizures plus, type 2. Last evaluated: 2022-05-04. Review status: criteria provided, single submitter. Criteria: Mendelics Assertion Criteria 2019. Collection method: clinical testing. Allele origin: germline.

Labcorp Genetics (formerly Invitae), Labcorp
Classification: Likely pathogenic for Early-infantile DEE. Last evaluated: 2018-06-07. Review status: criteria provided, single submitter. Criteria: Invitae Variant Classification Sherloc (09022015). Collection method: clinical testing. Allele origin: germline.
Comment: This variant identified in the SCN1A gene is located in the transmembrane spanning D1-S1 region of the resulting protein (PMID: 25348405, 18804930), but it is unclear how this variant impacts the function of this protein. A different missense substitution at this codon (p.His127Asp) has been reported to be de novo in individuals affected with Dravet syndrome (PMID: 21248271). For these reasons, this variant has been classified as Likely Pathogenic. Algorithms developed to predict the effect of missense changes on protein structure and function are either unavailable or do not agree on the potential impact of this missense change (SIFT: "Deleterious"; PolyPhen-2: "Benign"; Align-GVGD: "Class C65"). This variant is not present in population databases (ExAC no frequency). This sequence change replaces histidine with tyrosine at codon 127 of the SCN1A protein (p.His127Tyr). The histidine residue is highly conserved and there is a moderate physicochemical difference between histidine and tyrosine.

Literature cited by the submitters: PubMed 21248271 (cited by Dasa and Labcorp Genetics (formerly Invitae), Labcorp); PubMed 25348405 (cited by Labcorp Genetics (formerly Invitae), Labcorp); PubMed 18804930 (cited by Labcorp Genetics (formerly Invitae), Labcorp).